The following is an entry in ClinVar:

ClinVar aggregate classification (germline): Uncertain significance (1 of 4 stars; one submission).

Allele frequency attached by ClinVar (database versions not stated): gnomAD exomes below 0.00001; ExAC 0.00001; gnomAD 0.00003; TOPMed 0.00004.
gnomAD v4.1: 7 of 1,477,102 alleles (0.00047%); highest among the groups gnomAD compares: African/African-American, 0.0097%; no homozygotes.

Submission:

Labcorp Genetics (formerly Invitae), Labcorp
Classification: Uncertain significance. Last evaluated: 2022-10-27. Review status: criteria provided, single submitter. Criteria: Invitae Variant Classification Sherloc (09022015). Collection method: clinical testing. Allele origin: germline.
Comment: In summary, the available evidence is currently insufficient to determine the role of this variant in disease. Therefore, it has been classified as a Variant of Uncertain Significance. Advanced modeling of protein sequence and biophysical properties (such as structural, functional, and spatial information, amino acid conservation, physicochemical variation, residue mobility, and thermodynamic stability) performed at Invitae indicates that this missense variant is expected to disrupt MAK protein function. This variant has not been reported in the literature in individuals affected with MAK-related conditions. This variant is present in population databases (rs775458619, gnomAD 0.02%). This sequence change replaces leucine, which is neutral and non-polar, with arginine, which is basic and polar, at codon 86 of the MAK protein (p.Leu86Arg).

NM_001242957.3(MAK):c.257T>G (p.Leu86Arg)

Gene: MAK (male germ cell associated kinase; minus strand). Cytogenetic location: 6p24.2.
Variant type: single nucleotide variant.
Coding change: c.257T>G on transcript NM_001242957.3 (MANE Select); coding-DNA position 257, T replaced by G.
Protein change: p.Leu86Arg; replaces leucine 86 with arginine.
Molecular consequence: missense variant. On other transcripts: non-coding transcript variant (2).
Genome position (GRCh38, 1-based): chr6:10,817,871, A>C on the plus strand (T>G on the coding strand, the complement: MAK is on the minus strand). VCF-style: chr6-10817871-A-C. GRCh37 (hg19) VCF-style: chr6-10818104-A-C.
Other names: c.257T>G, p.Leu86Arg (NM_001242385.2, NM_005906.6); c.155T>G, p.Leu52Arg (NM_001377262.1); short protein forms L52R, L86R.
Identifiers: ClinVar variation 3018478 (VCV003018478.3), dbSNP rs775458619, ClinGen allele CA3633782.
Genomic context (GRCh38, chr6:10,817,871, plus strand): 5'-TGGAGAGAATAACAGGGAAAAACATGAATAAAAACATACCTGTCTTTCATTAATTGATAG[A>C]GGTTTTCTTTCATATATTCAAATATAAAATAAAGATGGTCATTTTCTCTGATAACTTCTT-3'
Protein context (NP_001229886.1, residues 76-96): YFIFEYMKEN[Leu86Arg]YQLMKDRNKL